The following is an entry in ClinVar:

ClinVar aggregate classification (germline): Uncertain significance (1 of 4 stars; one submission).

Conditions:
MHC class II deficiency. Also called: Bare lymphocyte syndrome 2; BLS, TYPE II. Identifiers: Orphanet 572, MedGen C5447452, MONDO:0008855.

Submission:

Labcorp Genetics (formerly Invitae), Labcorp
Classification: Uncertain significance for MHC class II deficiency. Last evaluated: 2022-08-05. Review status: criteria provided, single submitter. Criteria: Invitae Variant Classification Sherloc (09022015). Collection method: clinical testing. Allele origin: germline.
Comment: In summary, the available evidence is currently insufficient to determine the role of this variant in disease. Therefore, it has been classified as a Variant of Uncertain Significance. Algorithms developed to predict the effect of sequence changes on RNA splicing suggest that this variant may disrupt the consensus splice site. Algorithms developed to predict the effect of missense changes on protein structure and function are either unavailable or do not agree on the potential impact of this missense change (SIFT: "Tolerated"; PolyPhen-2: "Probably Damaging"; Align-GVGD: "Class C0"). This variant has not been reported in the literature in individuals affected with RFX5-related conditions. This variant is not present in population databases (gnomAD no frequency). This sequence change replaces serine, which is neutral and polar, with alanine, which is neutral and non-polar, at codon 39 of the RFX5 protein (p.Ser39Ala).

NM_001025603.2(RFX5):c.115T>G (p.Ser39Ala)

Gene: RFX5 (regulatory factor X5; minus strand). Cytogenetic location: 1q21.3.
Variant type: single nucleotide variant.
Coding change: c.115T>G on transcript NM_001025603.2 (MANE Select); coding-DNA position 115, T replaced by G.
Protein change: p.Ser39Ala; replaces serine 39 with alanine.
Molecular consequence: missense variant.
Genome position (GRCh38, 1-based): chr1:151,346,206, A>C on the plus strand (T>G on the coding strand, the complement: RFX5 is on the minus strand). VCF-style: chr1-151346206-A-C. GRCh37 (hg19) VCF-style: chr1-151318682-A-C.
Other names: c.115T>G, p.Ser39Ala (NM_000449.4, NM_001379412.1, NM_001379413.1 and 7 more transcripts); short protein forms S39A.
Identifiers: ClinVar variation 1715141 (VCV001715141.5), dbSNP rs2529050271, ClinGen allele CA341946763.